The following is an entry in ClinVar:

ClinVar aggregate classification (germline): Uncertain significance (1 of 4 stars; one submission).

Conditions:
Inborn genetic diseases. Identifiers: MedGen C0950123, MeSH D030342.

Submission:

Ambry Genetics
Classification: Uncertain significance for Inborn genetic diseases. Last evaluated: 2025-07-16. Review status: criteria provided, single submitter. Criteria: Ambry Variant Classification Scheme 2023. Collection method: clinical testing. Allele origin: germline.
Comment: The p.Q246R variant (also known as c.737A>G), located in coding exon 8 of the DDX41 gene, results from an A to G substitution at nucleotide position 737. The glutamine at codon 246 is replaced by arginine, an amino acid with highly similar properties. This amino acid position is conserved. In addition, the in silico prediction for this alteration is inconclusive. Based on the available evidence, the clinical significance of this variant remains unclear.

NM_016222.4(DDX41):c.737A>G (p.Gln246Arg)

Gene: DDX41 (DEAD-box helicase 41; minus strand). Cytogenetic location: 5q35.3.
Variant type: single nucleotide variant.
Coding change: c.737A>G on transcript NM_016222.4 (MANE Select); coding-DNA position 737, A replaced by G.
Protein change: p.Gln246Arg; replaces glutamine 246 with arginine.
Molecular consequence: missense variant.
Genome position (GRCh38, 1-based): chr5:177,514,977, T>C on the plus strand (A>G on the coding strand, the complement: DDX41 is on the minus strand). VCF-style: chr5-177514977-T-C. GRCh37 (hg19) VCF-style: chr5-176941978-T-C.
Other names: c.359A>G, p.Gln120Arg (NM_001321732.2, NM_001321830.2); short protein forms Q246R, Q120R.
Identifiers: ClinVar variation 4238773 (VCV004238773.1).